The following is an entry in ClinVar:

ClinVar aggregate classification (germline): Conflicting classifications of pathogenicity. Review status: criteria provided, conflicting classifications (1 of 4 stars). 5 submissions from 5 submitters: Uncertain significance (3); Likely benign (2). Last evaluated 2026-01-26.

Conditions:
Dilated cardiomyopathy 1DD (CMD1DD). Identifiers: Orphanet 154, MedGen C2750995, MONDO:0013168, OMIM 613172.
Cardiovascular phenotype. Identifiers: MedGen CN230736.

Allele frequency attached by ClinVar (database versions not stated): gnomAD exomes 0.00002 and 0.00009; TOPMed 0.00002; gnomAD 0.00003 and 0.00004; 1000 Genomes Project 30x 0.00031; 1000 Genomes Project 0.00040.
gnomAD v4.1: 35 of 1,551,730 alleles (0.0023%); highest among the groups gnomAD compares: East Asian, 0.042%; no homozygotes.

Submissions (5):

GeneDx
Classification: Uncertain significance. Last evaluated: 2026-01-26. Review status: criteria provided, single submitter. Criteria: GeneDx Variant Classification Process June 2021. Collection method: clinical testing. Allele origin: germline.
Comment: In silico analysis suggests that this missense variant does not alter protein structure/function; Has not been previously published as pathogenic or benign to our knowledge; This variant is associated with the following publications: (PMID: 30871351)

Labcorp Genetics (formerly Invitae), Labcorp
Classification: Likely benign for Dilated cardiomyopathy 1DD. Last evaluated: 2025-10-27. Review status: criteria provided, single submitter. Criteria: Invitae Variant Classification Sherloc (09022015). Collection method: clinical testing. Allele origin: germline.

Mayo Clinic Laboratories, Mayo Clinic
Classification: Likely benign. Last evaluated: 2025-07-23. Review status: criteria provided, single submitter. Criteria: ACMG Guidelines, 2015. Collection method: clinical testing. Allele origin: germline. Observed: 1 variant allele.
Comment: BS1, BP4

Blueprint Genetics
Classification: Uncertain significance. Last evaluated: 2024-10-15. Review status: criteria provided, single submitter. Criteria: ACMG Guidelines, 2015. Collection method: clinical testing. Allele origin: germline.

Ambry Genetics
Classification: Uncertain significance for Cardiovascular phenotype. Last evaluated: 2023-08-02. Review status: criteria provided, single submitter. Criteria: Ambry Variant Classification Scheme 2023. Collection method: clinical testing. Allele origin: germline.
Comment: The p.E725K variant (also known as c.2173G>A), located in coding exon 9 of the RBM20 gene, results from a G to A substitution at nucleotide position 2173. The glutamic acid at codon 725 is replaced by lysine, an amino acid with similar properties. This amino acid position is well conserved in available vertebrate species. In addition, this alteration is predicted to be tolerated by in silico analysis. Since supporting evidence is limited at this time, the clinical significance of this alteration remains unclear.

Literature cited by the submitters: PubMed 30871351 (cited by Ambry Genetics).

NM_001134363.3(RBM20):c.2173G>A (p.Glu725Lys)

Gene: RBM20 (RNA binding motif protein 20; plus strand). Cytogenetic location: 10q25.2.
Variant type: single nucleotide variant.
Coding change: c.2173G>A on transcript NM_001134363.3 (MANE Select); coding-DNA position 2173, G replaced by A.
Protein change: p.Glu725Lys; replaces glutamic acid 725 with lysine.
Molecular consequence: missense variant.
Genome position (GRCh38, 1-based): chr10:110,812,570, G>A. VCF-style: chr10-110812570-G-A. GRCh37 (hg19) VCF-style: chr10-112572328-G-A.
Other names: p.Glu725Lys; c.2173G>A (LRG_382t1); short protein forms E725K.
Identifiers: ClinVar variation 222780 (VCV000222780.15), dbSNP rs190416018, ClinGen allele CA077326.